The following is an entry in ClinVar:

NM_002734.5(PRKAR1A):c.349-5T>A

Gene: PRKAR1A (protein kinase cAMP-dependent type I regulatory subunit alpha; plus strand). Cytogenetic location: 17q24.2.
Variant type: single nucleotide variant.
Coding change: c.349-5T>A on transcript NM_002734.5 (MANE Select); 5 bases into the intron before coding-DNA position 349, T replaced by A.
Molecular consequence: intron variant.
Genome position (GRCh38, 1-based): chr17:68,523,720, T>A. VCF-style: chr17-68523720-T-A. GRCh37 (hg19) VCF-style: chr17-66519861-T-A.
Other names: c.349-5T>A (NM_001278433.2, NM_001369389.1, NM_212471.3 and 4 more transcripts).
Identifiers: ClinVar variation 1731980 (VCV001731980.2), dbSNP rs1456043929, ClinGen allele CA2580095054.

ClinVar aggregate classification (germline): Uncertain significance (1 of 4 stars; one submission).

Conditions:
Hereditary cancer-predisposing syndrome. Also called: Neoplastic Syndromes, Hereditary; Tumor predisposition; Hereditary Cancer Syndrome; Hereditary neoplastic syndrome. Identifiers: Orphanet 140162, MedGen C0027672, MeSH D009386, MONDO:0015356.

Submission:

Ambry Genetics
Classification: Uncertain significance for Hereditary cancer-predisposing syndrome. Last evaluated: 2020-07-21. Review status: criteria provided, single submitter. Criteria: Ambry Variant Classification Scheme 2023. Collection method: clinical testing. Allele origin: germline.
Comment: The c.349-5T>A intronic variant results from a T to A substitution 5 nucleotides upstream from coding exon 3 in the PRKAR1A gene. This nucleotide position is not well conserved in available vertebrate species. In silico splice site analysis predicts that this alteration will not have any significant effect on splicing. Since supporting evidence is limited at this time, the clinical significance of this alteration remains unclear.